The following is an entry in ClinVar:

NM_002471.4(MYH6):c.721A>T (p.Asn241Tyr)

Gene: MYH6 (myosin heavy chain 6; minus strand). Cytogenetic location: 14q11.2.
Variant type: single nucleotide variant.
Coding change: c.721A>T on transcript NM_002471.4 (MANE Select); coding-DNA position 721, A replaced by T.
Protein change: p.Asn241Tyr; replaces asparagine 241 with tyrosine.
Molecular consequence: missense variant.
Genome position (GRCh38, 1-based): chr14:23,404,310, T>A on the plus strand (A>T on the coding strand, the complement: MYH6 is on the minus strand). VCF-style: chr14-23404310-T-A. GRCh37 (hg19) VCF-style: chr14-23873519-T-A.
Other names: short protein forms N241Y.
Identifiers: ClinVar variation 3222361 (VCV003222361.1), dbSNP rs2502204069, ClinGen allele CA389028921.

ClinVar aggregate classification (germline): Uncertain significance (1 of 4 stars; one submission).

Conditions:
Cardiovascular phenotype. Identifiers: MedGen CN230736.

Submission:

Ambry Genetics
Classification: Uncertain significance for Cardiovascular phenotype. Last evaluated: 2023-11-30. Review status: criteria provided, single submitter. Criteria: Ambry Variant Classification Scheme 2023. Collection method: clinical testing. Allele origin: germline.
Comment: The p.N241Y variant (also known as c.721A>T), located in coding exon 6 of the MYH6 gene, results from an A to T substitution at nucleotide position 721. The asparagine at codon 241 is replaced by tyrosine, an amino acid with dissimilar properties. This amino acid position is conserved. In addition, this alteration is predicted to be deleterious by in silico analysis. Since supporting evidence is limited at this time, the clinical significance of this alteration remains unclear.